The following is an entry in ClinVar:

ClinVar aggregate classification (germline): Uncertain significance (1 of 4 stars; one submission).

Conditions:
SCLT1-related disorder. Also called: SCLT1-related condition.

gnomAD v4.1: 11 of 1,515,424 alleles (0.00073%); highest among the groups gnomAD compares: Non-Finnish European, 0.00089%; no homozygotes.

Submission:

PreventionGenetics, part of Exact Sciences
Classification: Uncertain significance for SCLT1-related condition. Last evaluated: 2026-05-10. Review status: criteria provided, single submitter. Criteria: ACMG Guidelines, 2015. Collection method: clinical testing. Allele origin: germline.
Comment: The SCLT1 c.572A>T variant is predicted to result in the amino acid substitution p.Gln191Leu. To our knowledge, this variant has not been reported in the literature. This variant is reported in 0.0065% of alleles in individuals of European (Non-Finnish) descent in gnomAD. At this time, the clinical significance of this variant is uncertain due to the absence of conclusive functional and genetic evidence.

NM_144643.4(SCLT1):c.572A>T (p.Gln191Leu)

Gene: SCLT1 (sodium channel and clathrin linker 1; minus strand). Cytogenetic location: 4q28.2.
Variant type: single nucleotide variant.
Coding change: c.572A>T on transcript NM_144643.4 (MANE Select); coding-DNA position 572, A replaced by T.
Protein change: p.Gln191Leu; replaces glutamine 191 with leucine.
Molecular consequence: missense variant.
Genome position (GRCh38, 1-based): chr4:128,997,917, T>A on the plus strand (A>T on the coding strand, the complement: SCLT1 is on the minus strand). VCF-style: chr4-128997917-T-A. GRCh37 (hg19) VCF-style: chr4-129919072-T-A.
Other names: c.572A>T, p.Gln191Leu (NM_001410807.1); short protein forms Q191L.
Identifiers: ClinVar variation 4996100 (VCV004996100.1).